The following is an entry in ClinVar:

ClinVar aggregate classification (germline): Likely benign (1 of 4 stars; one submission).

Allele frequency attached by ClinVar (database versions not stated): gnomAD 0.00001; TOPMed 0.00002.
gnomAD v4.1: 1 of 1,614,016 alleles (0.000062%); highest among the groups gnomAD compares: African/African-American, 0.0013%; no homozygotes.

Submission:

GeneDx
Classification: Likely benign. Last evaluated: 2018-01-25. Review status: criteria provided, single submitter. Criteria: GeneDx Variant Classification (06012015). Collection method: clinical testing. Allele origin: germline. Affected: yes.
Comment: This variant is considered likely benign or benign based on one or more of the following criteria: it is a conservative change, it occurs at a poorly conserved position in the protein, it is predicted to be benign by multiple in silico algorithms, and/or has population frequency not consistent with disease.

NM_001371596.2(MFSD8):c.351C>T (p.Ala117=)

Gene: MFSD8 (major facilitator superfamily domain containing 8; minus strand). Cytogenetic location: 4q28.2.
Variant type: single nucleotide variant.
Coding change: c.351C>T on transcript NM_001371596.2 (MANE Select); coding-DNA position 351, C replaced by T.
Protein change: p.Ala117=; no amino-acid change (alanine 117 retained).
Molecular consequence: synonymous variant.
Genome position (GRCh38, 1-based): chr4:127,943,840, G>A on the plus strand (C>T on the coding strand, the complement: MFSD8 is on the minus strand). VCF-style: chr4-127943840-G-A. GRCh37 (hg19) VCF-style: chr4-128864995-G-A.
Other names: c.351C>T, p.Ala117= (NM_001363520.3, NM_001363521.3, NM_001371591.2 and 5 more transcripts); c.216C>T, p.Ala72= (NM_001371590.2, NM_001371595.1, NM_001410765.1).
Identifiers: ClinVar variation 514871 (VCV000514871.3), dbSNP rs1263648080, ClinGen allele CA441215858.
Genomic context (GRCh38, chr4:127,943,840, plus strand): 5'-AACCAGCATGTAGTATTTATTATGAGAAGCTGGGATGTGGAGATATGCATAGAGGCAGTT[G>A]GCTGCCACGGAAATCAAGATGGAGACAATAAGAGGCTCTTTTCTTGGTCTATAATTAGAC-3'
Protein context (NP_001358525.1, residues 107-127): LIVSILISVA[Ala117=]NCLYAYLHIP